The following is an entry in ClinVar:

NM_020778.5(ALPK3):c.1709A>T (p.Asp570Val)

Gene: ALPK3 (alpha kinase 3; plus strand). Cytogenetic location: 15q25.3.
Variant type: single nucleotide variant.
Coding change: c.1709A>T on transcript NM_020778.5 (MANE Select); coding-DNA position 1709, A replaced by T.
Protein change: p.Asp570Val; replaces aspartic acid 570 with valine.
Molecular consequence: missense variant.
Genome position (GRCh38, 1-based): chr15:84,856,447, A>T. VCF-style: chr15-84856447-A-T. GRCh37 (hg19) VCF-style: chr15-85399678-A-T.
Other names: short protein forms D570V.
Identifiers: ClinVar variation 1408462 (VCV001408462.10), dbSNP rs200724501, ClinGen allele CA7709277.

ClinVar aggregate classification (germline): Uncertain significance. Review status: criteria provided, multiple submitters, no conflicts (2 of 4 stars). 4 submissions from 4 submitters: Uncertain significance (4). Last evaluated 2025-12-25.

Conditions:
ALPK3-related disorder. Also called: ALPK3-related condition.
Cardiovascular phenotype. Identifiers: MedGen CN230736.

Allele frequency attached by ClinVar (database versions not stated): ExAC 0.00002; TOPMed 0.00002; gnomAD 0.00003.
gnomAD v4.1: 14 of 1,613,498 alleles (0.00087%); highest among the groups gnomAD compares: African/African-American, 0.011%; no homozygotes.

Submissions (4):

Labcorp Genetics (formerly Invitae), Labcorp
Classification: Uncertain significance. Last evaluated: 2025-12-25. Review status: criteria provided, single submitter. Criteria: Invitae Variant Classification Sherloc (09022015). Collection method: clinical testing. Allele origin: germline.
Comment: This sequence change replaces aspartic acid, which is acidic and polar, with valine, which is neutral and non-polar, at codon 772 of the ALPK3 protein (p.Asp772Val). The frequency data for this variant in the population databases is considered unreliable, as metrics indicate poor data quality at this position in the gnomAD database. This variant has not been reported in the literature in individuals affected with ALPK3-related conditions. ClinVar contains an entry for this variant (Variation ID: 1408462). Invitae Evidence Modeling of protein sequence and biophysical properties (such as structural, functional, and spatial information, amino acid conservation, physicochemical variation, residue mobility, and thermodynamic stability) indicates that this missense variant is not expected to disrupt ALPK3 protein function with a negative predictive value of 80%. In summary, the available evidence is currently insufficient to determine the role of this variant in disease. Therefore, it has been classified as a Variant of Uncertain Significance.

PreventionGenetics, part of Exact Sciences
Classification: Uncertain significance for ALPK3-related condition. Last evaluated: 2025-11-24. Review status: criteria provided, single submitter. Criteria: ACMG Guidelines, 2015. Collection method: clinical testing. Allele origin: germline.
Comment: The ALPK3 c.2315A>T variant is predicted to result in the amino acid substitution p.Asp772Val. To our knowledge, this variant has not been reported in the literature. This variant is reported in 0.016% of alleles in individuals of African descent in gnomAD. At this time, the clinical significance of this variant is uncertain due to the absence of conclusive functional and genetic evidence.

Blueprint Genetics
Classification: Uncertain significance. Last evaluated: 2024-02-29. Review status: criteria provided, single submitter. Criteria: ACMG Guidelines, 2015. Collection method: clinical testing. Allele origin: germline.

Ambry Genetics
Classification: Uncertain significance for Cardiovascular phenotype. Last evaluated: 2024-01-27. Review status: criteria provided, single submitter. Criteria: Ambry Variant Classification Scheme 2023. Collection method: clinical testing. Allele origin: germline.
Comment: The p.D772V variant (also known as c.2315A>T), located in coding exon 6 of the ALPK3 gene, results from an A to T substitution at nucleotide position 2315. The aspartic acid at codon 772 is replaced by valine, an amino acid with highly dissimilar properties. This amino acid position is conserved. In addition, this alteration is predicted to be tolerated by in silico analysis. Since supporting evidence is limited at this time, the clinical significance of this alteration remains unclear.